The following is an entry in ClinVar:

ClinVar aggregate classification (germline): Conflicting classifications of pathogenicity. Review status: criteria provided, conflicting classifications (1 of 4 stars). 2 submissions from 2 submitters: Likely pathogenic (1); Uncertain significance (1). Last evaluated 2022-08-02.

Conditions:
Congenital disorder of glycosylation type 1E (CDG1E). Also called: CONGENITAL DISORDER OF GLYCOSYLATION, TYPE Ie; CDG Ie. Identifiers: Orphanet 79322, MedGen C1837396, MONDO:0012123, OMIM 608799.

Allele frequency attached by ClinVar (database versions not stated): gnomAD exomes below 0.00001.
gnomAD v4.1: 11 of 1,613,942 alleles (0.00068%); highest among the groups gnomAD compares: Middle Eastern, 0.017%; no homozygotes.

Submissions (2):

Labcorp Genetics (formerly Invitae), Labcorp
Classification: Uncertain significance for Congenital disorder of glycosylation type 1E. Last evaluated: 2022-08-02. Review status: criteria provided, single submitter. Criteria: Invitae Variant Classification Sherloc (09022015). Collection method: clinical testing. Allele origin: germline.
Comment: ClinVar contains an entry for this variant (Variation ID: 1328165). Algorithms developed to predict the effect of missense changes on protein structure and function (SIFT, PolyPhen-2, Align-GVGD) all suggest that this variant is likely to be disruptive. In summary, the available evidence is currently insufficient to determine the role of this variant in disease. Therefore, it has been classified as a Variant of Uncertain Significance. This sequence change replaces arginine, which is basic and polar, with cysteine, which is neutral and slightly polar, at codon 147 of the DPM1 protein (p.Arg147Cys). This variant is present in population databases (no rsID available, gnomAD 0.003%). This variant has not been reported in the literature in individuals affected with DPM1-related conditions.

Illumina Laboratory Services, Illumina
Classification: Likely pathogenic for Congenital disorder of glycosylation type 1E. Last evaluated: 2021-11-01. Review status: criteria provided, single submitter. Criteria: ICSLVariantClassificationCriteria RUGD 01 April 2020. Collection method: clinical testing. Allele origin: unknown.
Comment: The DPM1 c.439C>T (p.Arg147Cys) variant is a missense variant. A literature search was performed for the gene, cDNA change, and amino acid change. No publications were found based on this search. The p.Arg147Cys variant is reported at a frequency of 0.000033 in the South Asian population of the Genome Aggregation Database version 2.1.1, though this is based on one allele in a region of good sequence coverage so the variant is presumed to be rare. In silico predictions suggest that the p.Arg147Cys variant has a damaging effect and mRNA containing a different variant impacting the same residue, p.Arg147Ala, failed to produce a rescue in a zebrafish model of DPM1-congenital disorder of glycosylation, suggesting that this residue may be critical for function (Ardiccioni et al. 2015), however experimental data demonstrating any impacts of the p.Arg147Cys variant are unavailable. Based on the evidence, including the occurrence of this variant in trans with another variant classified as likely pathogenic, the p.Arg147Cys variant is classified as likely pathogenic for congenital disorder of glycosylation.

Literature cited by the submitters: PubMed 26729507 (cited by Illumina Laboratory Services, Illumina).

NM_003859.3(DPM1):c.439C>T (p.Arg147Cys)

Genes: ADNP-AS1 (ADNP antisense RNA 1; plus strand), DPM1 (dolichyl-phosphate mannosyltransferase subunit 1, catalytic; minus strand). Cytogenetic location: 20q13.13.
Variant type: single nucleotide variant.
Coding change: c.439C>T on transcript NM_003859.3 (MANE Select); coding-DNA position 439, C replaced by T.
Protein change: p.Arg147Cys; replaces arginine 147 with cysteine.
Molecular consequence: missense variant. On other transcripts: non-coding transcript variant (1).
Genome position (GRCh38, 1-based): chr20:50,942,086, G>A on the plus strand (C>T on the coding strand, the complement: DPM1 is on the minus strand). VCF-style: chr20-50942086-G-A. GRCh37 (hg19) VCF-style: chr20-49558623-G-A.
Other names: c.439C>T, p.Arg147Cys (NM_001317034.1, NM_001317035.1, NM_001317036.1); short protein forms R147C.
Identifiers: ClinVar variation 1328165 (VCV001328165.8), dbSNP rs1225648834, ClinGen allele CA408989316.